The following is an entry in ClinVar:

ClinVar aggregate classification (germline): Likely benign. Review status: criteria provided, single submitter (1 of 4 stars). 2 submissions from 2 submitters: Likely benign (1). 1 of the submissions does not count toward it. Last evaluated 2025-07-29.

Conditions:
Combined oxidative phosphorylation defect type 17. Also called: Combined oxidative phosphorylation deficiency 17. Identifiers: Orphanet 369913, MedGen C3809526, MONDO:0014190, OMIM 615440.
ELAC2-related disorder. Also called: ELAC2-related condition.

Submissions (2):

Labcorp Genetics (formerly Invitae), Labcorp
Classification: Likely benign for Combined oxidative phosphorylation defect type 17. Last evaluated: 2025-07-29. Review status: criteria provided, single submitter. Criteria: Invitae Variant Classification Sherloc (09022015). Collection method: clinical testing. Allele origin: germline.

PreventionGenetics, part of Exact Sciences
Classification: Likely benign for ELAC2-related condition. Last evaluated: 2020-05-11. Review status: no assertion criteria provided. Collection method: clinical testing. Allele origin: germline. Not counted in ClinVar's aggregate classification.
Comment: This variant is classified as likely benign based on ACMG/AMP sequence variant interpretation guidelines (Richards et al. 2015 PMID: 25741868, with internal and published modifications).

NM_018127.7(ELAC2):c.2199C>T (p.Pro733=)

Gene: ELAC2 (elaC ribonuclease Z 2; minus strand). Cytogenetic location: 17p12.
Variant type: single nucleotide variant.
Coding change: c.2199C>T on transcript NM_018127.7 (MANE Select); coding-DNA position 2199, C replaced by T.
Protein change: p.Pro733=; no amino-acid change (proline 733 retained).
Molecular consequence: synonymous variant.
Genome position (GRCh38, 1-based): chr17:12,993,741, G>A on the plus strand (C>T on the coding strand, the complement: ELAC2 is on the minus strand). VCF-style: chr17-12993741-G-A. GRCh37 (hg19) VCF-style: chr17-12897058-G-A.
Other names: c.2079C>T, p.Pro693= (NM_001165962.2); c.2196C>T, p.Pro732= (NM_173717.2).
Identifiers: ClinVar variation 749601 (VCV000749601.6), dbSNP rs1598192992, ClinGen allele CA498009982.